The following is an entry in ClinVar:

ClinVar aggregate classification (germline): Likely benign (1 of 4 stars; one submission).

Submission:

CeGaT Center for Human Genetics Tuebingen
Classification: Likely benign. Last evaluated: 2024-09-01. Review status: criteria provided, single submitter. Criteria: CeGaT Center For Human Genetics Tuebingen Variant Classification Criteria Version 2. Collection method: clinical testing. Allele origin: germline. Affected: yes. Observed: 1 variant allele.
Comment: EHMT2: PM4:Supporting, BS1

NM_006709.5(EHMT2):c.1735_1737del (p.Ser579del)

Gene: EHMT2 (euchromatic histone lysine methyltransferase 2; minus strand). Cytogenetic location: 6p21.33.
Variant type: Deletion.
Coding change: c.1735_1737del on transcript NM_006709.5 (MANE Select); coding-DNA positions 1735 to 1737, 3 bases deleted (TCT; older notation c.1735_1737delTCT).
Protein change: p.Ser579del; deletes serine 579.
Molecular consequence: inframe deletion.
Genome position (GRCh38, 1-based): chr6:31,888,049-31,888,051, AGA deleted on the plus strand (TCT on the coding strand, the reverse complement: EHMT2 is on the minus strand); deleting any 3 consecutive bases within chr6:31,888,049-31,888,053 gives the same sequence; the c. name uses the placement nearest the transcript's 3' end. VCF-style (leftmost placement, unchanged base first): chr6-31888048-GAGA-G. GRCh37 (hg19) VCF-style: chr6-31855825-GAGA-G.
Other names: c.1804_1806del, p.Ser602del (NM_001289413.2); c.1108_1110del, p.Ser370del (NM_001318833.2); c.1906_1908del, p.Ser636del (NM_001363689.2); c.1735_1737del, p.Ser579del (NM_001395160.1, NM_001395162.1, NM_001395164.1); c.1633_1635del, p.Ser545del (NM_001395161.1, NM_001395163.1, NM_025256.7); c.1477_1479del, p.Ser493del (NM_001395165.1); short protein forms S370del, S493del, S545del, S579del, S602del, S636del.
Identifiers: ClinVar variation 3388368 (VCV003388368.14).